The following is an entry in ClinVar:

ClinVar aggregate classification (germline): Uncertain significance. Review status: criteria provided, multiple submitters, no conflicts (2 of 4 stars). 2 submissions from 2 submitters: Uncertain significance (2). Last evaluated 2023-02-12.

Conditions:
Familial thoracic aortic aneurysm and aortic dissection (TAAD). Also called: Thoracic aortic aneurysms and dissections. Identifiers: Orphanet 91387, MedGen C4707243, MONDO:0019625.

Submissions (2):

Ambry Genetics
Classification: Uncertain significance for Familial thoracic aortic aneurysm and aortic dissection. Last evaluated: 2023-02-12. Review status: criteria provided, single submitter. Criteria: Ambry Variant Classification Scheme 2023. Collection method: clinical testing. Allele origin: germline.
Comment: The p.K1800E variant (also known as c.5398A>G), located in coding exon 37 of the MYH11 gene, results from an A to G substitution at nucleotide position 5398. The lysine at codon 1800 is replaced by glutamic acid, an amino acid with similar properties. This amino acid position is conserved. In addition, this alteration is predicted to be deleterious by in silico analysis. Since supporting evidence is limited at this time, the clinical significance of this alteration remains unclear.

Color Diagnostics, LLC DBA Color Health
Classification: Uncertain significance for Familial thoracic aortic aneurysm and aortic dissection. Last evaluated: 2022-11-16. Review status: criteria provided, single submitter. Criteria: ACMG Guidelines, 2015. Collection method: clinical testing. Allele origin: germline.
Comment: This missense variant replaces lysine with glutamic acid at codon 1807 of the MYH11 protein. Computational prediction suggests that this variant may have deleterious impact on protein structure and function (internally defined REVEL score threshold >= 0.7, PMID: 27666373). To our knowledge, functional studies have not been reported for this variant. This variant has not been reported in individuals affected with MYH11-related disorders in the literature. This variant has not been identified in the general population by the Genome Aggregation Database (gnomAD). The available evidence is insufficient to determine the role of this variant in disease conclusively. Therefore, this variant is classified as a Variant of Uncertain Significance.

NM_002474.3(MYH11):c.5398A>G (p.Lys1800Glu)

Genes: MYH11 (myosin heavy chain 11; minus strand), NDE1 (nudE neurodevelopment protein 1; plus strand). Cytogenetic location: 16p13.11.
Variant type: single nucleotide variant.
Coding change: c.5398A>G on transcript NM_002474.3 (MANE Select); coding-DNA position 5398, A replaced by G.
Protein change: p.Lys1800Glu; replaces lysine 1800 with glutamic acid.
Molecular consequence: missense variant. On other transcripts: intron variant (2).
Genome position (GRCh38, 1-based): chr16:15,717,246, T>C on the plus strand (A>G on the coding strand, the complement: MYH11 is on the minus strand). VCF-style: chr16-15717246-T-C. GRCh37 (hg19) VCF-style: chr16-15811103-T-C.
Other names: c.5419A>G, p.Lys1807Glu (NM_001040113.2, NM_001040114.2); c.5398A>G, p.Lys1800Glu (NM_022844.3); c.948-6945T>C (NM_001143979.2, NM_017668.3); short protein forms K1800E, K1807E.
Identifiers: ClinVar variation 2496870 (VCV002496870.4), dbSNP rs2506083550, ClinGen allele CA394848981.